The following is an entry in ClinVar:

NM_016239.4(MYO15A):c.7582A>T (p.Lys2528Ter)

Gene: MYO15A (myosin XVA; plus strand). Cytogenetic location: 17p11.2.
Variant type: single nucleotide variant.
Coding change: c.7582A>T on transcript NM_016239.4 (MANE Select); coding-DNA position 7582, A replaced by T.
Protein change: p.Lys2528Ter; replaces lysine 2528 with a stop codon.
Molecular consequence: nonsense.
Genome position (GRCh38, 1-based): chr17:18,151,218, A>T. VCF-style: chr17-18151218-A-T. GRCh37 (hg19) VCF-style: chr17-18054532-A-T.
Other names: c.7582A>T (NM_016239.3); short protein forms K2528*.
Identifiers: ClinVar variation 2765294 (VCV002765294.5), dbSNP rs768607209, ClinGen allele CA398619123.

ClinVar aggregate classification (germline): Pathogenic/Likely pathogenic. Review status: criteria provided, multiple submitters, no conflicts (2 of 4 stars). 3 submissions from 3 submitters: Pathogenic (2); Likely pathogenic (1). Last evaluated 2025-12-29.

Conditions:
MYO15A-related disorder. Also called: MYO15A-related condition.

gnomAD v4.1: 3 of 1,613,726 alleles (0.00019%); highest among the groups gnomAD compares: Admixed American, 0.0017%; no homozygotes.

Submissions (3):

PreventionGenetics, part of Exact Sciences
Classification: Likely pathogenic for MYO15A-related condition. Last evaluated: 2025-12-29. Review status: criteria provided, single submitter. Criteria: ACMG Guidelines, 2015. Collection method: clinical testing. Allele origin: germline.
Comment: The MYO15A c.7582A>T variant is predicted to result in premature protein termination (p.Lys2528*). To our knowledge, this variant has not been reported in the literature. This variant is reported in 0.0029% of alleles in individuals of Latino descent in gnomAD. Nonsense variants in MYO15A are expected to be pathogenic. This variant is interpreted as likely pathogenic.

GeneDx
Classification: Pathogenic. Last evaluated: 2025-07-29. Review status: criteria provided, single submitter. Criteria: GeneDx Variant Classification Process June 2021. Collection method: clinical testing. Allele origin: germline. Affected: yes.
Comment: Nonsense variant predicted to result in protein truncation or nonsense mediated decay in a gene for which loss-of-function is a known mechanism of disease; Not observed at significant frequency in large population cohorts (gnomAD); Has not been previously published as pathogenic or benign to our knowledge

Labcorp Genetics (formerly Invitae), Labcorp
Classification: Pathogenic. Last evaluated: 2023-06-04. Review status: criteria provided, single submitter. Criteria: Invitae Variant Classification Sherloc (09022015). Collection method: clinical testing. Allele origin: germline.
Comment: For these reasons, this variant has been classified as Pathogenic. This variant has not been reported in the literature in individuals affected with MYO15A-related conditions. This variant is present in population databases (no rsID available, gnomAD 0.003%). This sequence change creates a premature translational stop signal (p.Lys2528*) in the MYO15A gene. It is expected to result in an absent or disrupted protein product. Loss-of-function variants in MYO15A are known to be pathogenic (PMID: 17546645).

Literature cited by the submitters: PubMed 17546645 (cited by Labcorp Genetics (formerly Invitae), Labcorp).